The following is an entry in ClinVar:

NM_001039141.3(TRIOBP):c.395C>G (p.Ser132Cys)

Gene: TRIOBP (TRIO and F-actin binding protein; plus strand). Cytogenetic location: 22q13.1.
Variant type: single nucleotide variant.
Coding change: c.395C>G on transcript NM_001039141.3 (MANE Select); coding-DNA position 395, C replaced by G.
Protein change: p.Ser132Cys; replaces serine 132 with cysteine.
Molecular consequence: missense variant.
Genome position (GRCh38, 1-based): chr22:37,713,350, C>G. VCF-style: chr22-37713350-C-G. GRCh37 (hg19) VCF-style: chr22-38109357-C-G.
Other names: short protein forms S132C.
Identifiers: ClinVar variation 3052622 (VCV003052622.3), dbSNP rs757070140, ClinGen allele CA10223329.
Genomic context (GRCh38, chr22:37,713,350, plus strand): 5'-TACCCTATCTGGAGGGCCTGACCACTTCCTTGTGTGGCAGCTGCAACGAGGACCCCGGCT[C>G]TGACCCCACCTCCAGCCCTGACTCCGCCACCCCTGATGATACCAGCAACTCGTCCTCTGT-3'
Protein context (NP_001034230.1, residues 122-142): LCGSCNEDPG[Ser132Cys]DPTSSPDSAT

ClinVar aggregate classification (germline): Uncertain significance. Review status: criteria provided, single submitter (1 of 4 stars). 2 submissions from 2 submitters: Uncertain significance (1). 1 of the submissions does not count toward it. Last evaluated 2021-08-17.

Conditions:
TRIOBP-related disorder. Also called: TRIOBP-related condition.
Inborn genetic diseases. Identifiers: MedGen C0950123, MeSH D030342.

Allele frequency attached by ClinVar (database versions not stated): ExAC 0.00004; gnomAD 0.00007; TOPMed 0.00010; 1000 Genomes Project 30x 0.00016; gnomAD exomes 0.00019.
gnomAD v4.1: 291 of 1,614,042 alleles (0.018%); highest among the groups gnomAD compares: Non-Finnish European, 0.023%; no homozygotes.

Submissions (2):

Ambry Genetics
Classification: Uncertain significance for Inborn genetic diseases. Last evaluated: 2021-08-17. Review status: criteria provided, single submitter. Criteria: Ambry Variant Classification Scheme 2023. Collection method: clinical testing. Allele origin: germline.

PreventionGenetics, part of Exact Sciences
Classification: Uncertain significance for TRIOBP-related condition. Last evaluated: 2024-02-15. Review status: no assertion criteria provided. Collection method: clinical testing. Allele origin: germline. Not counted in ClinVar's aggregate classification.
Comment: The TRIOBP c.395C>G variant is predicted to result in the amino acid substitution p.Ser132Cys. To our knowledge, this variant has not been reported in the literature. This variant is reported in 0.012% of alleles in individuals of European (Non-Finnish) descent in gnomAD. At this time, the clinical significance of this variant is uncertain due to the absence of conclusive functional and genetic evidence.